The following is an entry in ClinVar:

NM_004336.5(BUB1):c.499G>C (p.Val167Leu)

Gene: BUB1 (BUB1 mitotic checkpoint serine/threonine kinase; minus strand). Cytogenetic location: 2q13.
Variant type: single nucleotide variant.
Coding change: c.499G>C on transcript NM_004336.5 (MANE Select); coding-DNA position 499, G replaced by C.
Protein change: p.Val167Leu; replaces valine 167 with leucine.
Molecular consequence: missense variant.
Genome position (GRCh38, 1-based): chr2:110,669,521, C>G on the plus strand (G>C on the coding strand, the complement: BUB1 is on the minus strand). VCF-style: chr2-110669521-C-G. GRCh37 (hg19) VCF-style: chr2-111427098-C-G.
Other names: c.439G>C, p.Val147Leu (NM_001278616.2); c.499G>C, p.Val167Leu (NM_001278617.2); short protein forms V147L, V167L.
Identifiers: ClinVar variation 1744648 (VCV001744648.2), dbSNP rs772759859, ClinGen allele CA348219283.

ClinVar aggregate classification (germline): Uncertain significance (1 of 4 stars; one submission).

Submission:

Ambry Genetics
Classification: Uncertain significance. Last evaluated: 2022-01-18. Review status: criteria provided, single submitter. Criteria: Ambry Variant Classification Scheme 2023. Collection method: clinical testing. Allele origin: germline.
Comment: The p.V167L variant (also known as c.499G>C), located in coding exon 6 of the BUB1 gene, results from a G to C substitution at nucleotide position 499. The valine at codon 167 is replaced by leucine, an amino acid with highly similar properties. This amino acid position is conserved. In addition, this alteration is predicted to be tolerated by in silico analysis. Since supporting evidence is limited at this time, the clinical significance of this alteration remains unclear.